The following is an entry in ClinVar:

ClinVar aggregate classification (germline): Uncertain significance (1 of 4 stars; one submission).

Conditions:
Multiple endocrine neoplasia, type 2 (MEN2). Identifiers: Orphanet 653, MedGen C4048306, MONDO:0019003. Disease mechanism: gain of function.

Submission:

Labcorp Genetics (formerly Invitae), Labcorp
Classification: Uncertain significance for Multiple endocrine neoplasia, type 2. Last evaluated: 2024-10-30. Review status: criteria provided, single submitter. Criteria: Invitae Variant Classification Sherloc (09022015). Collection method: clinical testing. Allele origin: germline.
Comment: This variant, c.850_852del, results in the deletion of 1 amino acid(s) of the RET protein (p.Glu284del), but otherwise preserves the integrity of the reading frame. This variant is not present in population databases (gnomAD no frequency). This variant has not been reported in the literature in individuals affected with RET-related conditions. Experimental studies and prediction algorithms are not available or were not evaluated, and the functional significance of this variant is currently unknown. In summary, the available evidence is currently insufficient to determine the role of this variant in disease. Therefore, it has been classified as a Variant of Uncertain Significance.

NM_020975.6(RET):c.850_852del (p.Glu284del)

Gene: RET (ret proto-oncogene; plus strand). Cytogenetic location: 10q11.21.
Variant type: Deletion.
Coding change: c.850_852del on transcript NM_020975.6 (MANE Select); coding-DNA positions 850 to 852, 3 bases deleted (GAG; older notation c.850_852delGAG).
Protein change: p.Glu284del; deletes glutamic acid 284.
Molecular consequence: intron variant (on NM_001406790.1).
Genome position (GRCh38, 1-based): chr10:43,105,176-43,105,178, GAG deleted; deleting any 3 consecutive bases within chr10:43,105,175-43,105,178 gives the same sequence; the c. name uses the placement nearest the transcript's 3' end. VCF-style (leftmost placement, unchanged base first): chr10-43105174-TGGA-T. GRCh37 (hg19) VCF-style: chr10-43600622-TGGA-T.
Other names: c.337+4454_337+4456del (NM_001406790.1, NM_001406788.1, NM_001406789.1 and 1 more transcripts); c.74-3855_74-3853del (NM_001406784.1); c.74-6923_74-6921del (NM_001406794.1, NM_001406792.1, NM_001406793.1); c.625+2547_625+2549del (NM_001406771.1, NM_001406782.1, NM_001406780.1 and 5 more transcripts); c.496+2547_496+2549del (NM_001406786.1, NM_001406783.1); c.338-3855_338-3853del (NM_001406778.1, NM_001406775.1, NM_001406776.1 and 1 more transcripts); c.88_90del, p.Glu30del (NM_001355216.2); c.850_852del, p.Glu284del (NM_001406743.1, NM_001406744.1, NM_001406759.1 and 6 more transcripts); and 2 more; short protein forms E188del, E241del, E284del, E30del.
Identifiers: ClinVar variation 3724165 (VCV003724165.2).